The following is an entry in ClinVar:

ClinVar aggregate classification (germline): Conflicting classifications of pathogenicity. Review status: criteria provided, conflicting classifications (1 of 4 stars). 3 submissions from 3 submitters: Uncertain significance (1); Likely benign (1). 1 of the submissions does not count toward it. Last evaluated 2024-11-04.

Conditions:
KMT2D-related disorder. Also called: KMT2D-Related Disorders.
Choanal atresia-athelia-hypothyroidism-delayed puberty-short stature syndrome (BCAHH). Also called: BRANCHIAL ARCH ABNORMALITIES, CHOANAL ATRESIA, ATHELIA, HEARING LOSS, AND HYPOTHYROIDISM SYNDROME. Identifiers: Orphanet 589856, MedGen C5680310, MONDO:0035651, OMIM 620186.
Kabuki syndrome 1 (KABUK1). Also called: KMT2D-Related Kabuki Syndrome. Identifiers: Orphanet 2322, MedGen CN030661, MONDO:0007843, OMIM 147920.
Kabuki syndrome. Also called: NIIKAWA-KUROKI SYNDROME; Kabuki make-up syndrome. Identifiers: Orphanet 2322, MedGen C0796004, MONDO:0016512.

Allele frequency attached by ClinVar (database versions not stated): gnomAD 0.00001; ESP Exome Variant Server 0.00008; 1000 Genomes Project 30x 0.00016.
gnomAD v4.1: 11 of 1,603,704 alleles (0.00069%); highest among the groups gnomAD compares: South Asian, 0.0022%; no homozygotes.

Submissions (3):

Labcorp Genetics (formerly Invitae), Labcorp
Classification: Likely benign for Kabuki syndrome. Last evaluated: 2024-11-04. Review status: criteria provided, single submitter. Criteria: Invitae Variant Classification Sherloc (09022015). Collection method: clinical testing. Allele origin: germline.

Fulgent Genetics
Classification: Uncertain significance for Kabuki syndrome 1; Choanal atresia-athelia-hypothyroidism-delayed puberty-short stature syndrome. Last evaluated: 2024-05-18. Review status: criteria provided, single submitter. Criteria: ACMG Guidelines, 2015. Collection method: clinical testing. Allele origin: germline.

PreventionGenetics, part of Exact Sciences
Classification: Uncertain significance for KMT2D-related condition. Last evaluated: 2023-10-26. Review status: no assertion criteria provided. Collection method: clinical testing. Allele origin: germline. Not counted in ClinVar's aggregate classification.
Comment: The KMT2D c.14236C>T variant is predicted to result in the amino acid substitution p.Arg4746Trp. To our knowledge, this variant has not been reported in the literature. This variant is reported in 0.00090% of alleles in individuals of European (Non-Finnish) descent in gnomAD. At this time, the clinical significance of this variant is uncertain due to the absence of conclusive functional and genetic evidence.

NM_003482.4(KMT2D):c.14236C>T (p.Arg4746Trp)

Gene: KMT2D (lysine methyltransferase 2D; minus strand). Cytogenetic location: 12q13.12.
Variant type: single nucleotide variant.
Coding change: c.14236C>T on transcript NM_003482.4 (MANE Select); coding-DNA position 14236, C replaced by T.
Protein change: p.Arg4746Trp; replaces arginine 4746 with tryptophan.
Molecular consequence: missense variant.
Genome position (GRCh38, 1-based): chr12:49,029,076, G>A on the plus strand (C>T on the coding strand, the complement: KMT2D is on the minus strand). VCF-style: chr12-49029076-G-A. GRCh37 (hg19) VCF-style: chr12-49422859-G-A.
Other names: c.14236C>T (NM_003482.3); short protein forms R4746W.
Identifiers: ClinVar variation 1437976 (VCV001437976.9), dbSNP rs371377859, ClinGen allele CA236635310.